The following is an entry in ClinVar:

NM_000216.4(ANOS1):c.109G>T (p.Glu37Ter)

Gene: ANOS1 (anosmin 1; minus strand). Cytogenetic location: Xp22.31.
Variant type: single nucleotide variant.
Coding change: c.109G>T on transcript NM_000216.4 (MANE Select); coding-DNA position 109, G replaced by T.
Protein change: p.Glu37Ter; replaces glutamic acid 37 with a stop codon.
Molecular consequence: nonsense.
Genome position (GRCh38, 1-based): chrX:8,731,928, C>A on the plus strand (G>T on the coding strand, the complement: ANOS1 is on the minus strand). VCF-style: chrX-8731928-C-A. GRCh37 (hg19) VCF-style: chrX-8699969-C-A.
Other names: c.109G>T (NM_000216.3); short protein forms E37*.
Identifiers: ClinVar variation 435540 (VCV000435540.7), dbSNP rs1555904591, ClinGen allele CA412024484.

ClinVar aggregate classification (germline): Pathogenic. Review status: criteria provided, multiple submitters, no conflicts (2 of 4 stars). 2 submissions from 2 submitters: Pathogenic (2). Last evaluated 2024-10-10.

Conditions:
Hypogonadotropic hypogonadism 1 with or without anosmia (HH1). Also called: HYPOGONADOTROPIC HYPOGONADISM AND ANOSMIA; HYPOGONADOTROPIC HYPOGONADISM 1 WITH ANOSMIA; Kallmann syndrome, type 1, X-linked; DYSPLASIA OLFACTOGENITALIS OF DE MORSIER; KAL1-Related GnRH Deficiency (Kallmann Syndrome 1; Kallmann Syndrome, X-Linked); Hypogonadotropic hypogonadism 1 with or without anosmia (Kallmann syndrome 1). Identifiers: Orphanet 478, MedGen C1563719, MONDO:0010635, OMIM 308700. Disease mechanism: loss of function.

Submissions (2):

Victorian Clinical Genetics Services, Murdoch Childrens Research Institute
Classification: Pathogenic for Hypogonadotropic hypogonadism 1 with or without anosmia. Last evaluated: 2024-10-10. Review status: criteria provided, single submitter. Criteria: ACMG Guidelines, 2015. Collection method: clinical testing. Allele origin: germline. Inheritance: X-linked recessive inheritance. Affected: yes.
Comment: Based on the classification scheme VCGS_Germline_v1.3.5, this variant is classified as Pathogenic. Following criteria are met: 0102 - Loss of function is a known mechanism of disease in this gene and is associated with hypogonadotropic hypogonadism 1 with or without anosmia (Kallmann syndrome 1) (MIM#308700). (I) 0109 - This gene is associated with X-linked recessive disease. (I) 0201 - Variant is predicted to cause nonsense-mediated decay (NMD) and loss of protein (premature termination codon is located at least 54 nucleotides upstream of the final exon-exon junction). (SP) 0253 - This variant is hemizygous. (I) 0301 - Variant is absent from gnomAD (v2, v3 and v4). (SP) 0701 - Other NMD-predicted variants comparable to the one identified in this case have very strong previous evidence for pathogenicity (ClinVar). (SP) 0803 - This variant has limited previous evidence of pathogenicity in an unrelated individual. This variant has a single pathogenic report in an affected individual (ClinVar). (SP) 0905 - No published segregation evidence has been identified for this variant. (I) 1007 - No published functional evidence has been identified for this variant. (I) Legend: (SP) - Supporting pathogenic, (I) - Information, (SB) - Supporting benign

Genetic Services Laboratory, University of Chicago
Classification: Pathogenic for Hypogonadotropic hypogonadism 1 with or without anosmia. Last evaluated: 2017-01-27. Review status: criteria provided, single submitter. Criteria: ACMG Guidelines, 2015. Collection method: clinical testing. Allele origin: germline. Affected: yes.